The following is an entry in ClinVar:

ClinVar aggregate classification (germline): Benign (0 of 4 stars; one submission).

Conditions:
FAM98C-related disorder. Also called: FAM98C-related condition.

Allele frequency attached by ClinVar (database versions not stated): ESP Exome Variant Server 0.02268; gnomAD 0.03209; ExAC 0.03614; TOPMed 0.03841; 1000 Genomes Project 30x 0.05465; 1000 Genomes Project 0.05611.

Submission:

PreventionGenetics, part of Exact Sciences
Classification: Benign for FAM98C-related condition. Last evaluated: 2019-04-16. Review status: no assertion criteria provided. Collection method: clinical testing. Allele origin: germline.
Comment: This variant is classified as benign based on ACMG/AMP sequence variant interpretation guidelines (Richards et al. 2015 PMID: 25741868, with internal and published modifications).

NM_174905.4(TSLIG3C):c.719C>A (p.Thr240Lys)

Gene: TSLIG3C (tRNA splicing ligase complex subunit 3C; plus strand). Cytogenetic location: 19q13.2.
Variant type: single nucleotide variant.
Coding change: c.719C>A on transcript NM_174905.4 (MANE Select); coding-DNA position 719, C replaced by A.
Protein change: p.Thr240Lys; replaces threonine 240 with lysine.
Molecular consequence: missense variant.
Genome position (GRCh38, 1-based): chr19:38,405,604, C>A. VCF-style: chr19-38405604-C-A. GRCh37 (hg19) VCF-style: chr19-38896244-C-A.
Other names: c.641C>A, p.Thr214Lys (NM_001351675.1); short protein forms T214K, T240K.
Identifiers: ClinVar variation 3060032 (VCV003060032.2), dbSNP rs3745962, ClinGen allele CA9414972.